The following is an entry in ClinVar:

NM_001042492.3(NF1):c.7196G>A (p.Arg2399Lys)

Gene: NF1 (neurofibromin 1; plus strand). Cytogenetic location: 17q11.2.
Variant type: single nucleotide variant.
Coding change: c.7196G>A on transcript NM_001042492.3 (MANE Select); coding-DNA position 7196, G replaced by A.
Protein change: p.Arg2399Lys; replaces arginine 2399 with lysine.
Molecular consequence: missense variant.
Genome position (GRCh38, 1-based): chr17:31,349,126, G>A. VCF-style: chr17-31349126-G-A. GRCh37 (hg19) VCF-style: chr17-29676144-G-A.
Other names: c.7133G>A, p.Arg2378Lys (NM_000267.4); short protein forms R2399K, R2378K.
Identifiers: ClinVar variation 2781970 (VCV002781970.3), dbSNP rs2151572483, ClinGen allele CA399016662.

ClinVar aggregate classification (germline): Uncertain significance (1 of 4 stars; one submission).

Conditions:
Neurofibromatosis, type 1 (NF1). Also called: VON RECKLINGHAUSEN DISEASE; Peripheral type neurofibromatosis; Neurofibromatosis, type I; NEUROFIBROMATOSIS, TYPE I, SOMATIC. Identifiers: Orphanet 636, MedGen C0027831, MONDO:0018975, OMIM 162200. Disease mechanism: loss of function.

Submission:

Labcorp Genetics (formerly Invitae), Labcorp
Classification: Uncertain significance for Neurofibromatosis, type 1. Last evaluated: 2023-01-28. Review status: criteria provided, single submitter. Criteria: Invitae Variant Classification Sherloc (09022015). Collection method: clinical testing. Allele origin: germline.
Comment: In summary, the available evidence is currently insufficient to determine the role of this variant in disease. Therefore, it has been classified as a Variant of Uncertain Significance. Advanced modeling of protein sequence and biophysical properties (such as structural, functional, and spatial information, amino acid conservation, physicochemical variation, residue mobility, and thermodynamic stability) has been performed at Invitae for this missense variant, however the output from this modeling did not meet the statistical confidence thresholds required to predict the impact of this variant on NF1 protein function. This variant has not been reported in the literature in individuals affected with NF1-related conditions. This variant is not present in population databases (gnomAD no frequency). This sequence change replaces arginine, which is basic and polar, with lysine, which is basic and polar, at codon 2378 of the NF1 protein (p.Arg2378Lys).